The following is an entry in ClinVar:

NM_004104.5(FASN):c.5927G>A (p.Arg1976Lys)

Gene: FASN (fatty acid synthase; minus strand). Cytogenetic location: 17q25.3.
Variant type: single nucleotide variant.
Coding change: c.5927G>A on transcript NM_004104.5 (MANE Select); coding-DNA position 5927, G replaced by A.
Protein change: p.Arg1976Lys; replaces arginine 1976 with lysine.
Molecular consequence: missense variant.
Genome position (GRCh38, 1-based): chr17:82,082,407, C>T on the plus strand (G>A on the coding strand, the complement: FASN is on the minus strand). VCF-style: chr17-82082407-C-T. GRCh37 (hg19) VCF-style: chr17-80040283-C-T.
Other names: short protein forms R1976K.
Identifiers: ClinVar variation 861076 (VCV000861076.10), dbSNP rs45489599, ClinGen allele CA8851484.

ClinVar aggregate classification (germline): Uncertain significance. Review status: criteria provided, multiple submitters, no conflicts (2 of 4 stars). 2 submissions from 2 submitters: Uncertain significance (2). Last evaluated 2025-09-22.

Conditions:
Epileptic encephalopathy. Identifiers: MedGen C0543888, HP:0200134.

Allele frequency attached by ClinVar (database versions not stated): gnomAD 0.00002; TOPMed 0.00003; gnomAD exomes 0.00006 and 0.00007; ExAC 0.00008.
gnomAD v4.1: 109 of 1,612,806 alleles (0.0068%); highest among the groups gnomAD compares: East Asian, 0.23%; 1 homozygote.

Submissions (2):

Ambry Genetics
Classification: Uncertain significance. Last evaluated: 2025-09-22. Review status: criteria provided, single submitter. Criteria: Ambry Variant Classification Scheme 2023. Collection method: clinical testing. Allele origin: germline.

Labcorp Genetics (formerly Invitae), Labcorp
Classification: Uncertain significance for Epileptic encephalopathy. Last evaluated: 2025-02-10. Review status: criteria provided, single submitter. Criteria: Invitae Variant Classification Sherloc (09022015). Collection method: clinical testing. Allele origin: germline.
Comment: This sequence change replaces arginine, which is basic and polar, with lysine, which is basic and polar, at codon 1976 of the FASN protein (p.Arg1976Lys). This variant is present in population databases (rs45489599, gnomAD 0.06%), and has an allele count higher than expected for a pathogenic variant. This variant has not been reported in the literature in individuals affected with FASN-related conditions. ClinVar contains an entry for this variant (Variation ID: 861076). An algorithm developed to predict the effect of missense changes on protein structure and function (PolyPhen-2) suggests that this variant is likely to be tolerated. In summary, the available evidence is currently insufficient to determine the role of this variant in disease. Therefore, it has been classified as a Variant of Uncertain Significance.